The following is an entry in ClinVar:

ClinVar aggregate classification (germline): Uncertain significance (1 of 4 stars; one submission).

Conditions:
Aicardi-Goutieres syndrome 4. Identifiers: Orphanet 51, MedGen C1835912, MONDO:0012472, OMIM 610333.

Allele frequency attached by ClinVar (database versions not stated): TOPMed below 0.00001; gnomAD exomes 0.00001.
gnomAD v4.1: 6 of 1,613,856 alleles (0.00037%); highest among the groups gnomAD compares: Non-Finnish European, 0.00025%; no homozygotes.

Submission:

Labcorp Genetics (formerly Invitae), Labcorp
Classification: Uncertain significance for Aicardi-Goutieres syndrome 4. Last evaluated: 2024-12-03. Review status: criteria provided, single submitter. Criteria: Invitae Variant Classification Sherloc (09022015). Collection method: clinical testing. Allele origin: germline.
Comment: This sequence change replaces isoleucine, which is neutral and non-polar, with methionine, which is neutral and non-polar, at codon 253 of the RNASEH2A protein (p.Ile253Met). This variant is present in population databases (no rsID available, gnomAD 0.005%). This variant has not been reported in the literature in individuals affected with RNASEH2A-related conditions. ClinVar contains an entry for this variant (Variation ID: 1978692). An algorithm developed to predict the effect of missense changes on protein structure and function outputs the following: PolyPhen-2: "Benign". The methionine amino acid residue is found in multiple mammalian species, which suggests that this missense change does not adversely affect protein function. In summary, the available evidence is currently insufficient to determine the role of this variant in disease. Therefore, it has been classified as a Variant of Uncertain Significance.

NM_006397.3(RNASEH2A):c.759A>G (p.Ile253Met)

Gene: RNASEH2A (ribonuclease H2 subunit A; plus strand). Cytogenetic location: 19p13.13.
Variant type: single nucleotide variant.
Coding change: c.759A>G on transcript NM_006397.3 (MANE Select); coding-DNA position 759, A replaced by G.
Protein change: p.Ile253Met; replaces isoleucine 253 with methionine.
Molecular consequence: missense variant.
Genome position (GRCh38, 1-based): chr19:12,813,204, A>G. VCF-style: chr19-12813204-A-G. GRCh37 (hg19) VCF-style: chr19-12924018-A-G.
Other names: short protein forms I253M.
Identifiers: ClinVar variation 1978692 (VCV001978692.2), dbSNP rs1452556115, ClinGen allele CA404269504.